The following is an entry in ClinVar:

ClinVar aggregate classification (germline): Uncertain significance (1 of 4 stars; one submission).

Conditions:
Hereditary cancer-predisposing syndrome. Also called: Hereditary Cancer Syndrome; Hereditary neoplastic syndrome; Neoplastic Syndromes, Hereditary; Tumor predisposition. Identifiers: Orphanet 140162, MedGen C0027672, MeSH D009386, MONDO:0015356.

Allele frequency attached by ClinVar (database versions not stated): TOPMed below 0.00001.

Submission:

Ambry Genetics
Classification: Uncertain significance for Hereditary cancer-predisposing syndrome. Last evaluated: 2025-11-11. Review status: criteria provided, single submitter. Criteria: Ambry Variant Classification Scheme 2023. Collection method: clinical testing. Allele origin: germline.
Comment: The p.R44C variant (also known as c.130C>T), located in coding exon 2 of the EPCAM gene, results from a C to T substitution at nucleotide position 130. The arginine at codon 44 is replaced by cysteine, an amino acid with highly dissimilar properties. This amino acid position is conserved. In addition, this alteration is predicted to be tolerated by in silico analysis. Since supporting evidence is limited at this time, the clinical significance of this alteration remains unclear.

NM_002354.3(EPCAM):c.130C>T (p.Arg44Cys)

Gene: EPCAM (epithelial cell adhesion molecule; plus strand). Cytogenetic location: 2p21.
Variant type: single nucleotide variant.
Coding change: c.130C>T on transcript NM_002354.3 (MANE Select); coding-DNA position 130, C replaced by T.
Protein change: p.Arg44Cys; replaces arginine 44 with cysteine.
Molecular consequence: missense variant.
Genome position (GRCh38, 1-based): chr2:47,373,516, C>T. VCF-style: chr2-47373516-C-T. GRCh37 (hg19) VCF-style: chr2-47600655-C-T.
Other names: short protein forms R44C.
Identifiers: ClinVar variation 1769624 (VCV001769624.3), dbSNP rs1008677622, ClinGen allele CA46691118.